The following is an entry in ClinVar:

ClinVar aggregate classification (germline): Uncertain significance (1 of 4 stars; one submission).

Submission:

CeGaT Center for Human Genetics Tuebingen
Classification: Uncertain significance. Last evaluated: 2025-06-01. Review status: criteria provided, single submitter. Criteria: CeGaT Center For Human Genetics Tuebingen Variant Classification Criteria Version 2. Collection method: clinical testing. Allele origin: germline. Affected: yes. Observed: 1 variant allele.
Comment: NR1H4: PM2, PP3

NM_001206979.2(NR1H4):c.563A>G (p.Lys188Arg)

Gene: NR1H4 (nuclear receptor subfamily 1 group H member 4; plus strand). Cytogenetic location: 12q23.1.
Variant type: single nucleotide variant.
Coding change: c.563A>G on transcript NM_001206979.2 (MANE Select); coding-DNA position 563, A replaced by G.
Protein change: p.Lys188Arg; replaces lysine 188 with arginine.
Molecular consequence: missense variant. On other transcripts: non-coding transcript variant (1), intron variant (1).
Genome position (GRCh38, 1-based): chr12:100,532,575, A>G. VCF-style: chr12-100532575-A-G. GRCh37 (hg19) VCF-style: chr12-100926353-A-G.
Other names: c.563A>G, p.Lys188Arg (NM_001206977.2, NM_005123.4); c.593A>G, p.Lys198Arg (NM_001206992.2, NM_001206993.2); c.446-2315A>G (NM_001206978.2); short protein forms K188R, K198R.
Identifiers: ClinVar variation 3905997 (VCV003905997.10).